The following is an entry in ClinVar:

ClinVar aggregate classification (germline): Benign. Review status: criteria provided, multiple submitters, no conflicts (2 of 4 stars). 3 submissions from 3 submitters: Benign (2). 1 of the submissions does not count toward it. Last evaluated 2023-07-07.

Conditions:
Familial adenomatous polyposis 1 (FAP1). Also called: POLYPOSIS, ADENOMATOUS INTESTINAL; FAMILIAL ADENOMATOUS POLYPOSIS 1, ATTENUATED. Identifiers: MedGen C2713442, MONDO:0021056, OMIM 175100. Disease mechanism: loss of function.
Familial colorectal cancer. Identifiers: MedGen CN280943, MONDO:0023113. Disease mechanism: loss of function.

Allele frequency attached by ClinVar (database versions not stated): gnomAD 0.00469 and 0.00544; TOPMed 0.00583; 1000 Genomes Project 30x 0.01796; 1000 Genomes Project 0.01857.
gnomAD v4.1: 822 of 152,218 alleles (0.54%); highest among the groups gnomAD compares: East Asian, 7.9%; 18 homozygotes.

Submissions (3):

KCCC/NGS Laboratory, Kuwait Cancer Control Center
Classification: Benign for Familial adenomatous polyposis 1. Last evaluated: 2023-07-07. Review status: criteria provided, single submitter. Criteria: ACMG Guidelines, 2015. Collection method: clinical testing. Allele origin: germline. Affected: yes.

PreventionGenetics, part of Exact Sciences
Classification: Benign. Review status: criteria provided, single submitter. Criteria: ACMG Guidelines, 2015. Collection method: clinical testing. Allele origin: germline.

Systems Biology Platform Zhejiang California International NanoSystems Institute
Classification: other for Familial colorectal cancer. Review status: no assertion criteria provided. Collection method: not provided. Allele origin: unknown. Not counted in ClinVar's aggregate classification.
ClinVar note: Converted during submission from cancer to other.

NM_000038.6(APC):c.1408+792A>T

Gene: APC (APC regulator of Wnt signaling pathway; plus strand). Cytogenetic location: 5q22.2.
Variant type: single nucleotide variant.
Coding change: c.1408+792A>T on transcript NM_000038.6 (MANE Select); 792 bases into the intron after coding-DNA position 1408, A replaced by T.
Molecular consequence: intron variant.
Genome position (GRCh38, 1-based): chr5:112,822,783, A>T. VCF-style: chr5-112822783-A-T. GRCh37 (hg19) VCF-style: chr5-112158480-A-T.
Other names: c.1408+792A>T (NM_001354895.2, NM_001127510.3); c.1438+792A>T (NM_001354897.2); c.1135+792A>T (NM_001354902.2); c.1354+792A>T (NM_001127511.3); c.1333+792A>T (NM_001354898.2); c.1030+792A>T (NM_001354904.2); c.559+792A>T (NM_001354906.2); c.1409-524A>T (NM_001354896.2); and 5 more.
Identifiers: ClinVar variation 82574 (VCV000082574.4), dbSNP rs77551834, ClinGen allele CA004962.
Genomic context (GRCh38, chr5:112,822,783, plus strand): 5'-AAGAACCATACGCTTAATTCCCATTTTAGTGTAATTGTGCCCTTGCTTTTTGTGCCGTTT[A>T]TGTTACATTATGTTCCAGCCACCACTTTATATTCCTATCCCCTCATCGTTTCATTCGTCA-3'